The following is an entry in ClinVar:

ClinVar aggregate classification (germline): Uncertain significance (1 of 4 stars; one submission).

Submission:

GeneDx
Classification: Uncertain significance. Last evaluated: 2025-08-04. Review status: criteria provided, single submitter. Criteria: GeneDx Variant Classification Process June 2021. Collection method: clinical testing. Allele origin: germline. Affected: yes.
Comment: Not observed at significant frequency in large population cohorts (gnomAD); In silico analysis supports that this missense variant has a deleterious effect on protein structure/function; Has not been previously published as pathogenic or benign to our knowledge

NM_003458.4(BSN):c.5135A>G (p.Gln1712Arg)

Gene: BSN (bassoon presynaptic cytomatrix protein; plus strand). Cytogenetic location: 3p21.31.
Variant type: single nucleotide variant.
Coding change: c.5135A>G on transcript NM_003458.4 (MANE Select); coding-DNA position 5135, A replaced by G.
Protein change: p.Gln1712Arg; replaces glutamine 1712 with arginine.
Molecular consequence: missense variant.
Genome position (GRCh38, 1-based): chr3:49,654,691, A>G. VCF-style: chr3-49654691-A-G. GRCh37 (hg19) VCF-style: chr3-49692124-A-G.
Other names: short protein forms Q1712R.
Identifiers: ClinVar variation 4755923 (VCV004755923.1).